The following is an entry in ClinVar:

ClinVar aggregate classification (germline): Conflicting classifications of pathogenicity. Review status: criteria provided, conflicting classifications (1 of 4 stars). 6 submissions from 6 submitters: Uncertain significance (1); Likely benign (5). Last evaluated 2025-10-27.

Conditions:
Cardiovascular phenotype. Identifiers: MedGen CN230736.
Myofibrillar myopathy 6. Identifiers: Orphanet 199340, MedGen C2751831, MONDO:0013061, OMIM 612954.
Dilated cardiomyopathy 1HH (CMD1HH). Identifiers: Orphanet 154, MedGen C3151293, MONDO:0013479, OMIM 613881.

Allele frequency attached by ClinVar (database versions not stated): TOPMed below 0.00001; gnomAD exomes 0.00001.
gnomAD v4.1: 13 of 1,613,988 alleles (0.00081%); highest among the groups gnomAD compares: South Asian, 0.0011%; no homozygotes.

Submissions (6):

Labcorp Genetics (formerly Invitae), Labcorp
Classification: Likely benign for Dilated cardiomyopathy 1HH; Myofibrillar myopathy 6. Last evaluated: 2025-10-27. Review status: criteria provided, single submitter. Criteria: Invitae Variant Classification Sherloc (09022015). Collection method: clinical testing. Allele origin: germline.

Ambry Genetics
Classification: Likely benign for Cardiovascular phenotype. Last evaluated: 2025-04-24. Review status: criteria provided, single submitter. Criteria: Ambry Variant Classification Scheme 2023. Collection method: clinical testing. Allele origin: germline.

CeGaT Center for Human Genetics Tuebingen
Classification: Likely benign. Last evaluated: 2022-07-01. Review status: criteria provided, single submitter. Criteria: CeGaT Center For Human Genetics Tuebingen Variant Classification Criteria Version 2. Collection method: clinical testing. Allele origin: germline. Affected: yes. Observed: 1 variant allele.
Comment: BAG3: BP4, BP7

Blueprint Genetics
Classification: Uncertain significance. Last evaluated: 2022-03-09. Review status: criteria provided, single submitter. Criteria: ACMG Guidelines, 2015. Collection method: clinical testing. Allele origin: germline.

Women's Health and Genetics/Laboratory Corporation of America, LabCorp
Classification: Likely benign. Last evaluated: 2020-10-31. Review status: criteria provided, single submitter. Criteria: LabCorp Variant Classification Summary - May 2015. Collection method: clinical testing. Allele origin: germline.

GeneDx
Classification: Likely benign. Last evaluated: 2017-03-15. Review status: criteria provided, single submitter. Criteria: GeneDx Variant Classification (06012015). Collection method: clinical testing. Allele origin: germline. Affected: yes.
Comment: This variant is considered likely benign or benign based on one or more of the following criteria: it is a conservative change, it occurs at a poorly conserved position in the protein, it is predicted to be benign by multiple in silico algorithms, and/or has population frequency not consistent with disease.

NM_004281.4(BAG3):c.1410C>T (p.Pro470=)

Gene: BAG3 (BAG cochaperone 3; plus strand). Cytogenetic location: 10q26.11.
Variant type: single nucleotide variant.
Coding change: c.1410C>T on transcript NM_004281.4 (MANE Select); coding-DNA position 1410, C replaced by T.
Protein change: p.Pro470=; no amino-acid change (proline 470 retained).
Molecular consequence: synonymous variant.
Genome position (GRCh38, 1-based): chr10:119,676,964, C>T. VCF-style: chr10-119676964-C-T. GRCh37 (hg19) VCF-style: chr10-121436476-C-T.
Identifiers: ClinVar variation 416022 (VCV000416022.41), dbSNP rs749034517, ClinGen allele CA5716542.
Genomic context (GRCh38, chr10:119,676,964, plus strand): 5'-GTACCTGATGATCGAAGAGTATTTGACCAAAGAGCTGCTGGCCCTGGATTCAGTGGACCC[C>T]GAGGGACGAGCCGATGTGCGTCAGGCCAGGAGAGACGGTGTCAGGAAGGTTCAGACCATC-3'
Protein context (NP_004272.2, residues 460-480): KELLALDSVD[Pro470=]EGRADVRQAR